The following is an entry in ClinVar:

ClinVar aggregate classification (germline): Uncertain significance. Review status: criteria provided, multiple submitters, no conflicts (2 of 4 stars). 2 submissions from 2 submitters: Uncertain significance (2). Last evaluated 2025-12-24.

Conditions:
EGFR-related lung cancer (EGFR). Identifiers: MedGen CN130014.
Hereditary cancer-predisposing syndrome. Also called: Hereditary neoplastic syndrome; Neoplastic Syndromes, Hereditary; Tumor predisposition; Hereditary Cancer Syndrome. Identifiers: Orphanet 140162, MedGen C0027672, MeSH D009386, MONDO:0015356.

Allele frequency attached by ClinVar (database versions not stated): gnomAD 0.00001 and 0.00002; gnomAD exomes 0.00001; TOPMed 0.00001.
gnomAD v4.1: 12 of 1,614,018 alleles (0.00074%); highest among the groups gnomAD compares: East Asian, 0.0022%; no homozygotes.

Submissions (2):

Labcorp Genetics (formerly Invitae), Labcorp
Classification: Uncertain significance for EGFR-related lung cancer. Last evaluated: 2025-12-24. Review status: criteria provided, single submitter. Criteria: Invitae Variant Classification Sherloc (09022015). Collection method: clinical testing. Allele origin: germline.
Comment: This sequence change replaces glycine, which is neutral and non-polar, with arginine, which is basic and polar, at codon 131 of the EGFR protein (p.Gly131Arg). This variant is present in population databases (no rsID available, gnomAD 0.01%). This variant has not been reported in the literature in individuals affected with EGFR-related conditions. ClinVar contains an entry for this variant (Variation ID: 942425). Invitae Evidence Modeling of protein sequence and biophysical properties (such as structural, functional, and spatial information, amino acid conservation, physicochemical variation, residue mobility, and thermodynamic stability) indicates that this missense variant is not expected to disrupt EGFR protein function with a negative predictive value of 80%. In summary, the available evidence is currently insufficient to determine the role of this variant in disease. Therefore, it has been classified as a Variant of Uncertain Significance.

Ambry Genetics
Classification: Uncertain significance for Hereditary cancer-predisposing syndrome. Last evaluated: 2025-03-26. Review status: criteria provided, single submitter. Criteria: Ambry Variant Classification Scheme 2023. Collection method: clinical testing. Allele origin: germline.
Comment: The p.G131R variant (also known as c.391G>A), located in coding exon 3 of the EGFR gene, results from a G to A substitution at nucleotide position 391. The glycine at codon 131 is replaced by arginine, an amino acid with dissimilar properties. This amino acid position is highly conserved in available vertebrate species. In addition, the in silico prediction for this alteration is inconclusive. Based on the available evidence, the clinical significance of this variant remains unclear.

NM_005228.5(EGFR):c.391G>A (p.Gly131Arg)

Gene: EGFR (epidermal growth factor receptor; plus strand). Cytogenetic location: 7p11.2.
Variant type: single nucleotide variant.
Coding change: c.391G>A on transcript NM_005228.5 (MANE Select); coding-DNA position 391, G replaced by A.
Protein change: p.Gly131Arg; replaces glycine 131 with arginine.
Molecular consequence: missense variant. On other transcripts: intron variant (1).
Genome position (GRCh38, 1-based): chr7:55,143,455, G>A. VCF-style: chr7-55143455-G-A. GRCh37 (hg19) VCF-style: chr7-55211148-G-A.
Other names: c.391G>A, p.Gly131Arg (NM_001346897.2, NM_001346898.2, NM_001346899.2 and 3 more transcripts); c.232G>A, p.Gly78Arg (NM_001346900.2); c.89-12375G>A (NM_001346941.2); short protein forms G131R, G78R.
Identifiers: ClinVar variation 942425 (VCV000942425.10), dbSNP rs1485016142, ClinGen allele CA367575945.